The following is an entry in ClinVar:

ClinVar aggregate classification (germline): Uncertain significance. Review status: criteria provided, multiple submitters, no conflicts (2 of 4 stars). 3 submissions from 3 submitters: Uncertain significance (3). Last evaluated 2025-09-25.

Conditions:
Inborn genetic diseases. Identifiers: MedGen C0950123, MeSH D030342.

gnomAD v4.1: 17 of 1,610,752 alleles (0.0011%); highest among the groups gnomAD compares: Admixed American, 0.0017%; no homozygotes.

Submissions (3):

Ambry Genetics
Classification: Uncertain significance for Inborn genetic diseases. Last evaluated: 2025-09-25. Review status: criteria provided, single submitter. Criteria: Ambry Variant Classification Scheme 2023. Collection method: clinical testing. Allele origin: germline.

Blueprint Genetics
Classification: Uncertain significance. Last evaluated: 2023-04-05. Review status: criteria provided, single submitter. Criteria: ACMG Guidelines, 2015. Collection method: clinical testing. Allele origin: germline.

Labcorp Genetics (formerly Invitae), Labcorp
Classification: Uncertain significance. Last evaluated: 2022-03-10. Review status: criteria provided, single submitter. Criteria: Invitae Variant Classification Sherloc (09022015). Collection method: clinical testing. Allele origin: germline.
Comment: This sequence change replaces alanine, which is neutral and non-polar, with proline, which is neutral and non-polar, at codon 212 of the CERKL protein (p.Ala212Pro). This variant is present in population databases (rs757547517, gnomAD 0.006%). This variant has not been reported in the literature in individuals affected with CERKL-related conditions. Algorithms developed to predict the effect of missense changes on protein structure and function are either unavailable or do not agree on the potential impact of this missense change (SIFT: "Deleterious"; PolyPhen-2: "Probably Damaging"; Align-GVGD: "Class C0"). In summary, the available evidence is currently insufficient to determine the role of this variant in disease. Therefore, it has been classified as a Variant of Uncertain Significance.

NM_201548.5(CERKL):c.634G>C (p.Ala212Pro)

Gene: CERKL (CERK like autophagy regulator; minus strand). Cytogenetic location: 2q31.3.
Variant type: single nucleotide variant.
Coding change: c.634G>C on transcript NM_201548.5 (MANE Select); coding-DNA position 634, G replaced by C.
Protein change: p.Ala212Pro; replaces alanine 212 with proline.
Molecular consequence: missense variant. On other transcripts: intron variant (2).
Genome position (GRCh38, 1-based): chr2:181,566,101, C>G on the plus strand (G>C on the coding strand, the complement: CERKL is on the minus strand). VCF-style: chr2-181566101-C-G. GRCh37 (hg19) VCF-style: chr2-182430828-C-G.
Other names: c.634G>C, p.Ala212Pro (NM_001030311.3); c.502G>C, p.Ala168Pro (NM_001160277.2); c.482-16393G>C (NM_001030312.3); c.613+7652G>C (NM_001030313.3); c.634G>C (NM_001030311.2); short protein forms A212P, A168P.
Identifiers: ClinVar variation 2416539 (VCV002416539.5), dbSNP rs757547517, ClinGen allele CA2010743.